The following is an entry in ClinVar:

NM_014834.4(LRRC37A):c.2772A>G (p.Lys924=)

Genes: ARL17B (ARF like GTPase 17B; minus strand), LRRC37A (leucine rich repeat containing 37A). Cytogenetic location: 17q21.31.
Variant type: single nucleotide variant.
Coding change: c.2772A>G on transcript NM_014834.4 (MANE Select); coding-DNA position 2772, A replaced by G.
Protein change: p.Lys924=; no amino-acid change (lysine 924 retained).
Molecular consequence: synonymous variant. On other transcripts: intron variant (2).
Genome position (GRCh38, 1-based): chr17:46,305,527, A>G. VCF-style: chr17-46305527-A-G. GRCh37 (hg19) VCF-style: chr17-44382893-A-G.
Other names: c.260-5862T>C (NM_001103154.2, NM_001352769.1).
Identifiers: ClinVar variation 3905330 (VCV003905330.10).

ClinVar aggregate classification (germline): Likely benign (1 of 4 stars; one submission).

Submission:

CeGaT Center for Human Genetics Tuebingen
Classification: Likely benign. Last evaluated: 2025-06-01. Review status: criteria provided, single submitter. Criteria: CeGaT Center For Human Genetics Tuebingen Variant Classification Criteria Version 2. Collection method: clinical testing. Allele origin: germline. Affected: yes. Observed: 1 variant allele.
Comment: LRRC37A: BP4, BP7